The following is an entry in ClinVar:

ClinVar aggregate classification (germline): Uncertain significance (1 of 4 stars; one submission).

Allele frequency attached by ClinVar (database versions not stated): gnomAD 0.00001 and 0.00006; TOPMed 0.00004; gnomAD exomes 0.00009 and 0.00015; ExAC 0.00015; 1000 Genomes Project 30x 0.00016; 1000 Genomes Project 0.00020.
gnomAD v4.1: 143 of 1,612,488 alleles (0.0089%); highest among the groups gnomAD compares: Middle Eastern, 0.33%; no homozygotes.

Submission:

Labcorp Genetics (formerly Invitae), Labcorp
Classification: Uncertain significance. Last evaluated: 2025-08-04. Review status: criteria provided, single submitter. Criteria: Invitae Variant Classification Sherloc (09022015). Collection method: clinical testing. Allele origin: germline.
Comment: This sequence change replaces lysine, which is basic and polar, with glutamic acid, which is acidic and polar, at codon 425 of the PIGU protein (p.Lys425Glu). This variant is present in population databases (rs567167077, gnomAD 0.08%). This variant has not been reported in the literature in individuals affected with PIGU-related conditions. ClinVar contains an entry for this variant (Variation ID: 1449492). An algorithm developed to predict the effect of missense changes on protein structure and function (PolyPhen-2) suggests that this variant is likely to be tolerated. In summary, the available evidence is currently insufficient to determine the role of this variant in disease. Therefore, it has been classified as a Variant of Uncertain Significance.

NM_080476.5(PIGU):c.1273A>G (p.Lys425Glu)

Gene: PIGU (phosphatidylinositol glycan anchor biosynthesis class U; minus strand). Cytogenetic location: 20q11.22.
Variant type: single nucleotide variant.
Coding change: c.1273A>G on transcript NM_080476.5 (MANE Select); coding-DNA position 1273, A replaced by G.
Protein change: p.Lys425Glu; replaces lysine 425 with glutamic acid.
Molecular consequence: missense variant.
Genome position (GRCh38, 1-based): chr20:34,560,901, T>C on the plus strand (A>G on the coding strand, the complement: PIGU is on the minus strand). VCF-style: chr20-34560901-T-C. GRCh37 (hg19) VCF-style: chr20-33148705-T-C.
Other names: short protein forms K425E.
Identifiers: ClinVar variation 1449492 (VCV001449492.7), dbSNP rs567167077, ClinGen allele CA9822376.